The following is an entry in ClinVar:

ClinVar aggregate classification (germline): Uncertain significance. Review status: criteria provided, single submitter (1 of 4 stars). 2 submissions from 2 submitters: Uncertain significance (1). 1 of the submissions does not count toward it. Last evaluated 2023-02-16.

Conditions:
Developmental and epileptic encephalopathy, 11 (DEE11). Also called: Early infantile epileptic encephalopathy 11. Identifiers: Orphanet 1934, MedGen C3150987, MONDO:0013388, OMIM 613721.
Seizures, benign familial infantile, 3 (BFIS3). Also called: CONVULSIONS, BENIGN FAMILIAL INFANTILE, 3; Familial neonatal seizures. Identifiers: Orphanet 140927, Orphanet 306, MedGen C1843140, MONDO:0011904, OMIM 607745.

Allele frequency attached by ClinVar (database versions not stated): gnomAD exomes below 0.00001.
gnomAD v4.1: 1 of 1,614,104 alleles (0.000062%); highest among the groups gnomAD compares: Non-Finnish European, 0.000085%; no homozygotes.

Submissions (2):

Labcorp Genetics (formerly Invitae), Labcorp
Classification: Uncertain significance for Seizures, benign familial infantile, 3; Developmental and epileptic encephalopathy, 11. Last evaluated: 2023-02-16. Review status: criteria provided, single submitter. Criteria: Invitae Variant Classification Sherloc (09022015). Collection method: clinical testing. Allele origin: germline.
Comment: In summary, the available evidence is currently insufficient to determine the role of this variant in disease. Therefore, it has been classified as a Variant of Uncertain Significance. Advanced modeling of protein sequence and biophysical properties (such as structural, functional, and spatial information, amino acid conservation, physicochemical variation, residue mobility, and thermodynamic stability) performed at Invitae indicates that this missense variant is expected to disrupt SCN2A protein function. This variant has not been reported in the literature in individuals affected with SCN2A-related conditions. This variant is not present in population databases (gnomAD no frequency). This sequence change replaces isoleucine, which is neutral and non-polar, with asparagine, which is neutral and polar, at codon 1676 of the SCN2A protein (p.Ile1676Asn).

Clinical Genetics Laboratory, University Hospital Schleswig-Holstein
Classification: Uncertain significance for Developmental and epileptic encephalopathy, 11. Last evaluated: 2023-12-15. Review status: no assertion criteria provided. Collection method: clinical testing. Allele origin: germline. Affected: yes. Not counted in ClinVar's aggregate classification.

NM_001040142.2(SCN2A):c.5027T>A (p.Ile1676Asn)

Gene: SCN2A (sodium voltage-gated channel alpha subunit 2; plus strand). Cytogenetic location: 2q24.3.
Variant type: single nucleotide variant.
Coding change: c.5027T>A on transcript NM_001040142.2 (MANE Select); coding-DNA position 5027, T replaced by A.
Protein change: p.Ile1676Asn; replaces isoleucine 1676 with asparagine.
Molecular consequence: missense variant.
Genome position (GRCh38, 1-based): chr2:165,388,833, T>A. VCF-style: chr2-165388833-T-A. GRCh37 (hg19) VCF-style: chr2-166245343-T-A.
Other names: c.5027T>A, p.Ile1676Asn (NM_001040143.2, NM_001371246.1, NM_001371247.1 and 1 more transcripts); short protein forms I1676N.
Identifiers: ClinVar variation 2944411 (VCV002944411.4), dbSNP rs2468158063, ClinGen allele CA349038024.
Genomic context (GRCh38, chr2:165,388,833, plus strand): 5'-CCCTTCCTGCGTTGTTTAACATCGGCCTCCTTCTTTTCCTGGTCATGTTCATCTACGCCA[T>A]CTTTGGGATGTCCAATTTTGCCTATGTTAAGAGGGAAGTTGGGATCGATGACATGTTCAA-3'
Protein context (NP_001035232.1, residues 1666-1686): LLFLVMFIYA[Ile1676Asn]FGMSNFAYVK